The following is an entry in ClinVar:

NM_005633.4(SOS1):c.625A>G (p.Met209Val)

Gene: SOS1 (SOS Ras/Rac guanine nucleotide exchange factor 1; minus strand). Cytogenetic location: 2p22.1.
Variant type: single nucleotide variant.
Coding change: c.625A>G on transcript NM_005633.4 (MANE Select); coding-DNA position 625, A replaced by G.
Protein change: p.Met209Val; replaces methionine 209 with valine.
Molecular consequence: missense variant.
Genome position (GRCh38, 1-based): chr2:39,054,709, T>C on the plus strand (A>G on the coding strand, the complement: SOS1 is on the minus strand). VCF-style: chr2-39054709-T-C. GRCh37 (hg19) VCF-style: chr2-39281850-T-C.
Other names: c.604A>G, p.Met202Val (NM_001382394.1); c.625A>G, p.Met209Val (NM_001382395.1); short protein forms M202V, M209V.
Identifiers: ClinVar variation 4823176 (VCV004823176.4).

ClinVar aggregate classification (germline): Uncertain significance (1 of 4 stars; one submission).

Submission:

CeGaT Center for Human Genetics Tuebingen
Classification: Uncertain significance. Last evaluated: 2026-02-01. Review status: criteria provided, single submitter. Criteria: CeGaT Center For Human Genetics Tuebingen Variant Classification Criteria Version 2. Collection method: clinical testing. Allele origin: germline. Affected: yes. Observed: 1 variant allele.
Comment: SOS1: PM2